The following is an entry in ClinVar:

NM_000235.4(LIPA):c.955C>T (p.His319Tyr)

Gene: LIPA (lipase A, lysosomal acid type; minus strand). Cytogenetic location: 10q23.31.
Variant type: single nucleotide variant.
Coding change: c.955C>T on transcript NM_000235.4 (MANE Select); coding-DNA position 955, C replaced by T.
Protein change: p.His319Tyr; replaces histidine 319 with tyrosine.
Molecular consequence: missense variant.
Genome position (GRCh38, 1-based): chr10:89,215,949, G>A on the plus strand (C>T on the coding strand, the complement: LIPA is on the minus strand). VCF-style: chr10-89215949-G-A. GRCh37 (hg19) VCF-style: chr10-90975706-G-A.
Other names: p.His319Tyr; c.955C>T, p.His319Tyr (NM_001127605.3); c.607C>T, p.His203Tyr (NM_001288979.2); short protein forms H203Y, H319Y.
Identifiers: ClinVar variation 1767381 (VCV001767381.4), dbSNP rs775231669, ClinGen allele CA5593558.

ClinVar aggregate classification (germline): Uncertain significance. Review status: criteria provided, multiple submitters, no conflicts (2 of 4 stars). 2 submissions from 2 submitters: Uncertain significance (2). Last evaluated 2025-05-30.

Conditions:
Cardiovascular phenotype. Identifiers: MedGen CN230736.

Allele frequency attached by ClinVar (database versions not stated): TOPMed below 0.00001; ExAC 0.00001.

Submissions (2):

Ambry Genetics
Classification: Uncertain significance for Cardiovascular phenotype. Last evaluated: 2025-05-30. Review status: criteria provided, single submitter. Criteria: Ambry Variant Classification Scheme 2023. Collection method: clinical testing. Allele origin: germline.
Comment: The p.H319Y variant (also known as c.955C>T), located in coding exon 8 of the LIPA gene, results from a C to T substitution at nucleotide position 955. The histidine at codon 319 is replaced by tyrosine, an amino acid with similar properties. This amino acid position is conserved. In addition, this alteration is predicted to be deleterious by in silico analysis. Since supporting evidence is limited at this time, the clinical significance of this alteration remains unclear.

Mayo Clinic Laboratories, Mayo Clinic
Classification: Uncertain significance. Last evaluated: 2022-06-02. Review status: criteria provided, single submitter. Criteria: ACMG Guidelines, 2015. Collection method: clinical testing. Allele origin: germline. Observed: 1 variant allele.
Comment: PM2